The following is an entry in ClinVar:

NM_001013838.3(CARMIL2):c.4241C>T (p.Pro1414Leu)

Gene: CARMIL2 (capping protein regulator and myosin 1 linker 2; plus strand). Cytogenetic location: 16q22.1.
Variant type: single nucleotide variant.
Coding change: c.4241C>T on transcript NM_001013838.3 (MANE Select); coding-DNA position 4241, C replaced by T.
Protein change: p.Pro1414Leu; replaces proline 1414 with leucine.
Molecular consequence: missense variant.
Genome position (GRCh38, 1-based): chr16:67,657,451, C>T. VCF-style: chr16-67657451-C-T. GRCh37 (hg19) VCF-style: chr16-67691354-C-T.
Other names: c.4052C>T, p.Pro1351Leu (NM_001317026.3); short protein forms P1414L, P1351L.
Identifiers: ClinVar variation 1486064 (VCV001486064.4), dbSNP rs374562018, ClinGen allele CA8114308.
Genomic context (GRCh38, chr16:67,657,451, plus strand): 5'-TCCCTCCCCTCACAGGATCTGGCCTTGGAACCGAGCCTCTGCCCCCACAGCCCACAGAGC[C>T]CTCCAGCCCTGAGCGGAGCCCACCCTCCCCAGCCACAGACCAAAGAGGCGGCGGCCCCAA-3'
Protein context (NP_001013860.1, residues 1404-1424): TEPLPPQPTE[Pro1414Leu]SSPERSPPSP

ClinVar aggregate classification (germline): Uncertain significance. Review status: criteria provided, multiple submitters, no conflicts (2 of 4 stars). 2 submissions from 2 submitters: Uncertain significance (2). Last evaluated 2022-09-07.

Allele frequency attached by ClinVar (database versions not stated): ExAC 0.00002; gnomAD exomes 0.00002; gnomAD 0.00003 and 0.00004; TOPMed 0.00008; ESP Exome Variant Server 0.00024.

Submissions (2):

Labcorp Genetics (formerly Invitae), Labcorp
Classification: Uncertain significance. Last evaluated: 2022-09-07. Review status: criteria provided, single submitter. Criteria: Invitae Variant Classification Sherloc (09022015). Collection method: clinical testing. Allele origin: germline.
Comment: This sequence change replaces proline, which is neutral and non-polar, with leucine, which is neutral and non-polar, at codon 1414 of the CARMIL2 protein (p.Pro1414Leu). This variant is present in population databases (rs374562018, gnomAD 0.02%). This variant has not been reported in the literature in individuals affected with CARMIL2-related conditions. ClinVar contains an entry for this variant (Variation ID: 1486064). Algorithms developed to predict the effect of missense changes on protein structure and function (SIFT, PolyPhen-2, Align-GVGD) all suggest that this variant is likely to be tolerated. In summary, the available evidence is currently insufficient to determine the role of this variant in disease. Therefore, it has been classified as a Variant of Uncertain Significance.

Blueprint Genetics
Classification: Uncertain significance. Last evaluated: 2022-06-07. Review status: criteria provided, single submitter. Criteria: ACMG Guidelines, 2015. Collection method: clinical testing. Allele origin: germline.